The following is an entry in ClinVar:

ClinVar aggregate classification (germline): Uncertain significance (1 of 4 stars; one submission).

Submission:

GeneDx
Classification: Uncertain significance. Last evaluated: 2019-10-15. Review status: criteria provided, single submitter. Criteria: GeneDx Variant Classification Process June 2021. Collection method: clinical testing. Allele origin: germline. Affected: yes.
Comment: Not observed in large population cohorts (Lek et al., 2016); In silico analysis, which includes protein predictors and evolutionary conservation, supports a deleterious effect; Has not been previously published as pathogenic or benign to our knowledge

NM_018896.5(CACNA1G):c.551T>G (p.Val184Gly)

Gene: CACNA1G (calcium voltage-gated channel subunit alpha1 G; plus strand). Cytogenetic location: 17q21.33.
Variant type: single nucleotide variant.
Coding change: c.551T>G on transcript NM_018896.5 (MANE Select); coding-DNA position 551, T replaced by G.
Protein change: p.Val184Gly; replaces valine 184 with glycine.
Molecular consequence: missense variant. On other transcripts: non-coding transcript variant (5).
Genome position (GRCh38, 1-based): chr17:50,569,768, T>G. VCF-style: chr17-50569768-T-G. GRCh37 (hg19) VCF-style: chr17-48647129-T-G.
Other names: c.551T>G, p.Val184Gly (NM_001256324.2, NM_001256325.2, NM_001256326.2 and 24 more transcripts); short protein forms V184G.
Identifiers: ClinVar variation 1309371 (VCV001309371.2), dbSNP rs2144657750, ClinGen allele CA400228690.
Genomic context (GRCh38, chr17:50,569,768, plus strand): 5'-TGCTGGAGTACTCGCTGGACCTGCAGAACGTCAGCTTCTCAGCTGTCAGGACAGTCCGTG[T>G]GCTGCGACCGCTCAGGGCCATTAACCGGGTGCCCAGTGAGTGACCCCTCAGCCCTCAGCC-3'
Protein context (NP_061496.2, residues 174-194): VSFSAVRTVR[Val184Gly]LRPLRAINRV